The following is an entry in ClinVar:

ClinVar aggregate classification (germline): Likely benign (1 of 4 stars; one submission).

Conditions:
ASIP-related condition.

gnomAD v4.1: 1,696 of 1,614,086 alleles (0.11%); highest among the groups gnomAD compares: East Asian, 3.7%; 63 homozygotes.

Submission:

PreventionGenetics, part of Exact Sciences
Classification: Likely benign for ASIP-related condition. Last evaluated: 2024-10-02. Review status: criteria provided, single submitter. Criteria: ACMG Guidelines, 2015. Collection method: clinical testing. Allele origin: germline.
Comment: This variant is classified as likely benign based on ACMG/AMP sequence variant interpretation guidelines (Richards et al. 2015 PMID: 25741868, with internal and published modifications).

NM_001672.3(ASIP):c.38T>C (p.Val13Ala)

Genes: AHCY (adenosylhomocysteinase; minus strand), ASIP (agouti signaling protein; plus strand). Cytogenetic location: 20q11.22.
Variant type: single nucleotide variant.
Coding change: c.38T>C on transcript NM_001672.3 (MANE Select); coding-DNA position 38, T replaced by C.
Protein change: p.Val13Ala; replaces valine 13 with alanine.
Molecular consequence: missense variant.
Genome position (GRCh38, 1-based): chr20:34,260,412, T>C. VCF-style: chr20-34260412-T-C. GRCh37 (hg19) VCF-style: chr20-32848218-T-C.
Other names: c.38T>C, p.Val13Ala (NM_001385218.1); short protein forms V13A.
Identifiers: ClinVar variation 4982663 (VCV004982663.1).